The following is an entry in ClinVar:

ClinVar aggregate classification (germline): Uncertain significance (1 of 4 stars; one submission).

gnomAD v4.1: 1 of 1,612,702 alleles (0.000062%); highest among the groups gnomAD compares: Non-Finnish European, 0.000085%; no homozygotes.

Submission:

Labcorp Genetics (formerly Invitae), Labcorp
Classification: Uncertain significance. Last evaluated: 2022-09-10. Review status: criteria provided, single submitter. Criteria: Invitae Variant Classification Sherloc (09022015). Collection method: clinical testing. Allele origin: germline.
Comment: This sequence change replaces proline, which is neutral and non-polar, with histidine, which is basic and polar, at codon 1995 of the COL7A1 protein (p.Pro1995His). This variant is present in population databases (no rsID available, gnomAD 0.0009%). This variant has not been reported in the literature in individuals affected with COL7A1-related conditions. Advanced modeling of protein sequence and biophysical properties (such as structural, functional, and spatial information, amino acid conservation, physicochemical variation, residue mobility, and thermodynamic stability) performed at Invitae indicates that this missense variant is not expected to disrupt COL7A1 protein function. In summary, the available evidence is currently insufficient to determine the role of this variant in disease. Therefore, it has been classified as a Variant of Uncertain Significance.

NM_000094.4(COL7A1):c.5984C>A (p.Pro1995His)

Gene: COL7A1 (collagen type VII alpha 1 chain; minus strand). Cytogenetic location: 3p21.31.
Variant type: single nucleotide variant.
Coding change: c.5984C>A on transcript NM_000094.4 (MANE Select); coding-DNA position 5984, C replaced by A.
Protein change: p.Pro1995His; replaces proline 1995 with histidine.
Molecular consequence: missense variant.
Genome position (GRCh38, 1-based): chr3:48,575,535, G>T on the plus strand (C>A on the coding strand, the complement: COL7A1 is on the minus strand). VCF-style: chr3-48575535-G-T. GRCh37 (hg19) VCF-style: chr3-48612968-G-T.
Other names: short protein forms P1995H.
Identifiers: ClinVar variation 1983700 (VCV001983700.1), dbSNP rs1398593449, ClinGen allele CA352664159.